The following is an entry in ClinVar:

ClinVar aggregate classification (germline): Likely benign. Review status: criteria provided, single submitter (1 of 4 stars). 2 submissions from 2 submitters: Likely benign (1). 1 of the submissions does not count toward it. Last evaluated 2025-07-15.

Conditions:
Epidermolysis bullosa simplex 5C, with pyloric atresia (EBS5C). Also called: Epidermolysis bullosa simplex with pyloric atresia; PLEC-Related Epidermolysis Bullosa with Pyloric Atresia; PLEC1-Related Epidermolysis Bullosa with Pyloric Atresia. Identifiers: Orphanet 158684, MedGen C2677349, MONDO:0012807, OMIM 612138.
Epidermolysis bullosa simplex, Ogna type (EBS5A). Also called: Pidermolysis bullosa simplex 5A, Ogna type; EPIDERMOLYSIS BULLOSA SIMPLEX 5A, OGNA TYPE. Identifiers: Orphanet 79401, MedGen C0432317, MONDO:0007555, OMIM 131950.
Autosomal recessive limb-girdle muscular dystrophy type 2Q (LGMDR17). Also called: MUSCULAR DYSTROPHY, LIMB-GIRDLE, AUTOSOMAL RECESSIVE 17. Identifiers: Orphanet 254361, MedGen C3150989, MONDO:0013390, OMIM 613723.
Epidermolysis bullosa simplex 5B, with muscular dystrophy (EBS5B). Also called: EPIDERMOLYSIS BULLOSA SIMPLEX AND LIMB-GIRDLE MUSCULAR DYSTROPHY; Epidermolysis bullosa simplex with muscular dystrophy. Identifiers: Orphanet 257, MedGen C2931072, MONDO:0009181, OMIM 226670.
Epidermolysis bullosa simplex with nail dystrophy (EBS5D). Identifiers: MedGen C4225309, MONDO:0014661, OMIM 616487.
PLEC-related disorder. Also called: PLEC-related condition; PLEC-related disorders.

Allele frequency attached by ClinVar (database versions not stated): ExAC 0.00002; TOPMed 0.00004; gnomAD 0.00005; gnomAD exomes 0.00006; ESP Exome Variant Server 0.00008.
gnomAD v4.1: 70 of 1,611,792 alleles (0.0043%); highest among the groups gnomAD compares: Admixed American, 0.03%; no homozygotes.

Submissions (2):

Labcorp Genetics (formerly Invitae), Labcorp
Classification: Likely benign for Autosomal recessive limb-girdle muscular dystrophy type 2Q; Epidermolysis bullosa simplex, Ogna type; Epidermolysis bullosa simplex with nail dystrophy; Epidermolysis bullosa simplex 5C, with pyloric atresia; Epidermolysis bullosa simplex 5B, with muscular dystrophy. Last evaluated: 2025-07-15. Review status: criteria provided, single submitter. Criteria: Invitae Variant Classification Sherloc (09022015). Collection method: clinical testing. Allele origin: germline.

PreventionGenetics, part of Exact Sciences
Classification: Likely benign for PLEC-related condition. Last evaluated: 2021-11-24. Review status: no assertion criteria provided. Collection method: clinical testing. Allele origin: germline. Not counted in ClinVar's aggregate classification.
Comment: This variant is classified as likely benign based on ACMG/AMP sequence variant interpretation guidelines (Richards et al. 2015 PMID: 25741868, with internal and published modifications).

NM_201384.3(PLEC):c.12429C>T (p.Ile4143=)

Gene: PLEC (plectin; minus strand). Cytogenetic location: 8q24.3.
Variant type: single nucleotide variant.
Coding change: c.12429C>T on transcript NM_201384.3 (MANE Select); coding-DNA position 12429, C replaced by T.
Protein change: p.Ile4143=; no amino-acid change (isoleucine 4143 retained).
Molecular consequence: synonymous variant.
Genome position (GRCh38, 1-based): chr8:143,917,392, G>A on the plus strand (C>T on the coding strand, the complement: PLEC is on the minus strand). VCF-style: chr8-143917392-G-A. GRCh37 (hg19) VCF-style: chr8-144991560-G-A.
Other names: c.12510C>T, p.Ile4170= (NM_000445.5); c.12387C>T, p.Ile4129= (NM_201378.4); c.12363C>T, p.Ile4121= (NM_201379.3); c.12840C>T, p.Ile4280= (NM_201380.4); c.12333C>T, p.Ile4111= (NM_201381.3); c.12429C>T, p.Ile4143= (NM_201382.4); c.12441C>T, p.Ile4147= (NM_201383.3); c.12510C>T (NM_000445.4).
Identifiers: ClinVar variation 1632517 (VCV001632517.10), dbSNP rs373975624, ClinGen allele CA4924087.